The following is an entry in ClinVar:

NM_000540.3(RYR1):c.14548T>C (p.Tyr4850His)

Gene: RYR1 (ryanodine receptor 1; plus strand). Cytogenetic location: 19q13.2.
Variant type: single nucleotide variant.
Coding change: c.14548T>C on transcript NM_000540.3 (MANE Select); coding-DNA position 14548, T replaced by C.
Protein change: p.Tyr4850His; replaces tyrosine 4850 with histidine.
Molecular consequence: missense variant.
Genome position (GRCh38, 1-based): chr19:38,580,406, T>C. VCF-style: chr19-38580406-T-C. GRCh37 (hg19) VCF-style: chr19-39071046-T-C.
Other names: c.14533T>C, p.Tyr4845His (NM_001042723.2); c.14548T>C (NM_000540.2); short protein forms Y4845H, Y4850H.
Identifiers: ClinVar variation 1067955 (VCV001067955.10), dbSNP rs2145896491, ClinGen allele CA405687664.

ClinVar aggregate classification (germline): Uncertain significance. Review status: criteria provided, multiple submitters, no conflicts (2 of 4 stars). 2 submissions from 2 submitters: Uncertain significance (2). Last evaluated 2025-02-27.

Conditions:
RYR1-related disorder. Also called: RYR1-related condition; RYR1-related disorders. Identifiers: MedGen CN239331.
Inborn genetic diseases. Identifiers: MedGen C0950123, MeSH D030342.

Submissions (2):

Ambry Genetics
Classification: Uncertain significance for Inborn genetic diseases. Last evaluated: 2025-02-27. Review status: criteria provided, single submitter. Criteria: Ambry Variant Classification Scheme 2023. Collection method: clinical testing. Allele origin: germline.
Comment: The c.14548T>C (p.Y4850H) alteration is located in exon 101 (coding exon 101) of the RYR1 gene. This alteration results from a T to C substitution at nucleotide position 14548, causing the tyrosine (Y) at amino acid position 4850 to be replaced by a histidine (H). This variant was not reported in population-based cohorts in the Genome Aggregation Database (gnomAD). Other variant(s) at the same codon, c.14549A>G (p.Y4850C), have been identified in individual(s) with features consistent with autosomal dominant RYR1-related myopathy (Bharucha-Goebel, 2013). This amino acid position is highly conserved in available vertebrate species. This alteration is predicted to be deleterious by in silico analysis. Based on insufficient or conflicting evidence, the clinical significance of this alteration remains unclear.

Labcorp Genetics (formerly Invitae), Labcorp
Classification: Uncertain significance for RYR1-related disorder. Last evaluated: 2024-10-03. Review status: criteria provided, single submitter. Criteria: Invitae Variant Classification Sherloc (09022015). Collection method: clinical testing. Allele origin: germline.
Comment: This sequence change replaces tyrosine, which is neutral and polar, with histidine, which is basic and polar, at codon 4850 of the RYR1 protein (p.Tyr4850His). This variant is not present in population databases (gnomAD no frequency). This variant has not been reported in the literature in individuals affected with RYR1-related conditions. ClinVar contains an entry for this variant (Variation ID: 1067955). Invitae Evidence Modeling of protein sequence and biophysical properties (such as structural, functional, and spatial information, amino acid conservation, physicochemical variation, residue mobility, and thermodynamic stability) has been performed for this missense variant. However, the output from this modeling did not meet the statistical confidence thresholds required to predict the impact of this variant on RYR1 protein function. In summary, the available evidence is currently insufficient to determine the role of this variant in disease. Therefore, it has been classified as a Variant of Uncertain Significance.

Literature cited by the submitters: PubMed 23553484 (cited by Ambry Genetics).